The following is an entry in ClinVar:

NM_138694.4(PKHD1):c.6965T>A (p.Ile2322Asn)

Gene: PKHD1 (PKHD1 ciliary IPT domain containing fibrocystin/polyductin; minus strand). Cytogenetic location: 6p12.2.
Variant type: single nucleotide variant.
Coding change: c.6965T>A on transcript NM_138694.4 (MANE Select); coding-DNA position 6965, T replaced by A.
Protein change: p.Ile2322Asn; replaces isoleucine 2322 with asparagine.
Molecular consequence: missense variant.
Genome position (GRCh38, 1-based): chr6:51,903,628, A>T on the plus strand (T>A on the coding strand, the complement: PKHD1 is on the minus strand). VCF-style: chr6-51903628-A-T. GRCh37 (hg19) VCF-style: chr6-51768426-A-T.
Other names: c.6965T>A, p.Ile2322Asn (NM_170724.3); short protein forms I2322N.
Identifiers: ClinVar variation 4994828 (VCV004994828.1).

ClinVar aggregate classification (germline): Uncertain significance (1 of 4 stars; one submission).

Conditions:
PKHD1-related disorder. Also called: PKHD1-related condition.

gnomAD v4.1: 5 of 1,611,676 alleles (0.00031%); highest among the groups gnomAD compares: Non-Finnish European, 0.00042%; no homozygotes.

Submission:

PreventionGenetics, part of Exact Sciences
Classification: Uncertain significance for PKHD1-related condition. Last evaluated: 2025-10-13. Review status: criteria provided, single submitter. Criteria: ACMG Guidelines, 2015. Collection method: clinical testing. Allele origin: germline.
Comment: The PKHD1 c.6965T>A variant is predicted to result in the amino acid substitution p.Ile2322Asn. To our knowledge, this variant has not been reported in the literature or in a large population database (gnomAD), indicating this variant is rare. At this time, the clinical significance of this variant is uncertain due to the absence of conclusive functional and genetic evidence.